The following is an entry in ClinVar:

ClinVar aggregate classification (germline): Likely benign (1 of 4 stars; one submission).

Conditions:
NOTCH2-related disorder. Also called: NOTCH2-related condition.

Submission:

PreventionGenetics, part of Exact Sciences
Classification: Likely benign for NOTCH2-related condition. Last evaluated: 2025-06-16. Review status: criteria provided, single submitter. Criteria: ACMG Guidelines, 2015. Collection method: clinical testing. Allele origin: germline.
Comment: This variant is classified as likely benign based on ACMG/AMP sequence variant interpretation guidelines (Richards et al. 2015 PMID: 25741868, with internal and published modifications).

NM_024408.4(NOTCH2):c.5574C>T (p.Ile1858=)

Gene: NOTCH2 (notch receptor 2; minus strand). Cytogenetic location: 1p12.
Variant type: single nucleotide variant.
Coding change: c.5574C>T on transcript NM_024408.4 (MANE Select); coding-DNA position 5574, C replaced by T.
Protein change: p.Ile1858=; no amino-acid change (isoleucine 1858 retained).
Molecular consequence: synonymous variant.
Genome position (GRCh38, 1-based): chr1:119,919,519, G>A on the plus strand (C>T on the coding strand, the complement: NOTCH2 is on the minus strand). VCF-style: chr1-119919519-G-A. GRCh37 (hg19) VCF-style: chr1-120462142-G-A.
Identifiers: ClinVar variation 4987766 (VCV004987766.1).